The following is an entry in ClinVar:

ClinVar aggregate classification (germline): Uncertain significance (1 of 4 stars; one submission).

Allele frequency attached by ClinVar (database versions not stated): gnomAD exomes below 0.00001.
gnomAD v4.1: 4 of 1,614,210 alleles (0.00025%); highest among the groups gnomAD compares: Non-Finnish European, 0.00034%; no homozygotes.

Submission:

Labcorp Genetics (formerly Invitae), Labcorp
Classification: Uncertain significance. Last evaluated: 2021-12-08. Review status: criteria provided, single submitter. Criteria: Invitae Variant Classification Sherloc (09022015). Collection method: clinical testing. Allele origin: germline.
Comment: This sequence change replaces methionine, which is neutral and non-polar, with threonine, which is neutral and polar, at codon 306 of the ADIPOR1 protein (p.Met306Thr). This variant is not present in population databases (gnomAD no frequency). This variant has not been reported in the literature in individuals affected with ADIPOR1-related conditions. Algorithms developed to predict the effect of missense changes on protein structure and function (SIFT, PolyPhen-2, Align-GVGD) all suggest that this variant is likely to be tolerated. In summary, the available evidence is currently insufficient to determine the role of this variant in disease. Therefore, it has been classified as a Variant of Uncertain Significance.

NM_015999.6(ADIPOR1):c.917T>C (p.Met306Thr)

Gene: ADIPOR1 (adiponectin receptor 1; minus strand). Cytogenetic location: 1q32.1.
Variant type: single nucleotide variant.
Coding change: c.917T>C on transcript NM_015999.6 (MANE Select); coding-DNA position 917, T replaced by C.
Protein change: p.Met306Thr; replaces methionine 306 with threonine.
Molecular consequence: missense variant.
Genome position (GRCh38, 1-based): chr1:202,942,107, A>G on the plus strand (T>C on the coding strand, the complement: ADIPOR1 is on the minus strand). VCF-style: chr1-202942107-A-G. GRCh37 (hg19) VCF-style: chr1-202911235-A-G.
Other names: c.917T>C, p.Met306Thr (NM_001127687.1, NM_001290553.2, NM_001290557.1 and 1 more transcripts); short protein forms M306T.
Identifiers: ClinVar variation 1895583 (VCV001895583.5), dbSNP rs2527451816, ClinGen allele CA344278062.